The following is an entry in ClinVar:

NM_001042492.3(NF1):c.8312G>C (p.Ser2771Thr)

Gene: NF1 (neurofibromin 1; plus strand). Cytogenetic location: 17q11.2.
Variant type: single nucleotide variant.
Coding change: c.8312G>C on transcript NM_001042492.3 (MANE Select); coding-DNA position 8312, G replaced by C.
Protein change: p.Ser2771Thr; replaces serine 2771 with threonine.
Molecular consequence: missense variant.
Genome position (GRCh38, 1-based): chr17:31,360,638, G>C. VCF-style: chr17-31360638-G-C. GRCh37 (hg19) VCF-style: chr17-29687656-G-C.
Other names: c.8249G>C, p.Ser2750Thr (NM_000267.4); short protein forms S2771T, S2750T.
Identifiers: ClinVar variation 959347 (VCV000959347.7), dbSNP rs2070376310, ClinGen allele CA399204920.

ClinVar aggregate classification (germline): Uncertain significance. Review status: criteria provided, multiple submitters, no conflicts (2 of 4 stars). 2 submissions from 2 submitters: Uncertain significance (2). Last evaluated 2024-12-10.

Conditions:
Neurofibromatosis, type 1 (NF1). Also called: Peripheral type neurofibromatosis; VON RECKLINGHAUSEN DISEASE; NEUROFIBROMATOSIS, TYPE I, SOMATIC; Neurofibromatosis, type I. Identifiers: Orphanet 636, MedGen C0027831, MONDO:0018975, OMIM 162200. Disease mechanism: loss of function.

Submissions (2):

3billion
Classification: Uncertain significance for Neurofibromatosis, type 1. Last evaluated: 2024-12-10. Review status: criteria provided, single submitter. Criteria: ACMG Guidelines, 2015. Collection method: clinical testing. Allele origin: germline. Affected: yes.
Comment: The variant is not observed in the gnomAD v4.1.0 dataset. Predicted Consequence/Location: Missense variant In silico tool predictions suggest no damaging effect of the variant on gene or gene product [REVEL: 0.26 (<0.4); 3Cnet: 0.00 (<0.15, specificity 0.78 and negative predictive value 0.92)]. The variant has been reported as of uncertain significance (ClinVar ID: VCV000959347). Different missense changes at the same codon have been reported as of uncertain significance (ClinVar ID: VCV003237981). Therefore, this variant is classified as VUS according to the recommendation of ACMG/AMP guideline.

Labcorp Genetics (formerly Invitae), Labcorp
Classification: Uncertain significance for Neurofibromatosis, type 1. Last evaluated: 2022-10-27. Review status: criteria provided, single submitter. Criteria: Invitae Variant Classification Sherloc (09022015). Collection method: clinical testing. Allele origin: germline.
Comment: In summary, the available evidence is currently insufficient to determine the role of this variant in disease. Therefore, it has been classified as a Variant of Uncertain Significance. Advanced modeling of protein sequence and biophysical properties (such as structural, functional, and spatial information, amino acid conservation, physicochemical variation, residue mobility, and thermodynamic stability) has been performed at Invitae for this missense variant, however the output from this modeling did not meet the statistical confidence thresholds required to predict the impact of this variant on NF1 protein function. ClinVar contains an entry for this variant (Variation ID: 959347). This variant has not been reported in the literature in individuals affected with NF1-related conditions. This variant is not present in population databases (gnomAD no frequency). This sequence change replaces serine, which is neutral and polar, with threonine, which is neutral and polar, at codon 2750 of the NF1 protein (p.Ser2750Thr).